The following is an entry in ClinVar:

ClinVar aggregate classification (germline): Uncertain significance (1 of 4 stars; one submission).

Submission:

Labcorp Genetics (formerly Invitae), Labcorp
Classification: Uncertain significance. Last evaluated: 2022-10-07. Review status: criteria provided, single submitter. Criteria: Invitae Variant Classification Sherloc (09022015). Collection method: clinical testing. Allele origin: germline.
Comment: In summary, the available evidence is currently insufficient to determine the role of this variant in disease. Therefore, it has been classified as a Variant of Uncertain Significance. This variant is not present in population databases (gnomAD no frequency). Algorithms developed to predict the effect of missense changes on protein structure and function are either unavailable or do not agree on the potential impact of this missense change (SIFT: "Deleterious"; PolyPhen-2: "Not Available"; Align-GVGD: "Class C15"). This variant has not been reported in the literature in individuals affected with CYFIP2-related conditions. This sequence change replaces arginine, which is basic and polar, with glycine, which is neutral and non-polar, at codon 1045 of the CYFIP2 protein (p.Arg1045Gly).

NM_001037333.3(CYFIP2):c.3133C>G (p.Arg1045Gly)

Genes: CYFIP2 (cytoplasmic FMR1 interacting protein 2; plus strand), NIPAL4-DT (NIPAL4 divergent transcript; minus strand). Cytogenetic location: 5q33.3.
Variant type: single nucleotide variant.
Coding change: c.3133C>G on transcript NM_001037333.3 (MANE Select); coding-DNA position 3133, C replaced by G.
Protein change: p.Arg1045Gly; replaces arginine 1045 with glycine.
Molecular consequence: missense variant.
Genome position (GRCh38, 1-based): chr5:157,383,285, C>G. VCF-style: chr5-157383285-C-G. GRCh37 (hg19) VCF-style: chr5-156810293-C-G.
Other names: c.3055C>G, p.Arg1019Gly (NM_001291721.2); c.3208C>G, p.Arg1070Gly (NM_001291722.2); c.3133C>G, p.Arg1045Gly (NM_014376.4); short protein forms R1019G, R1045G, R1070G.
Identifiers: ClinVar variation 1721187 (VCV001721187.5), dbSNP rs764928113, ClinGen allele CA361981149.